The following is an entry in ClinVar:

NM_014363.6(SACS):c.2470del (p.Ser824fs)

Gene: SACS (sacsin molecular chaperone; minus strand). Cytogenetic location: 13q12.12.
Variant type: Deletion.
Coding change: c.2470del on transcript NM_014363.6 (MANE Select); coding-DNA position 2470, one base deleted (T; older notation c.2470delT).
Protein change: p.Ser824fs; shifts the reading frame from serine 824.
Molecular consequence: frameshift variant.
Genome position (GRCh38, 1-based): chr13:23,341,406, A deleted on the plus strand (T on the coding strand, the reverse complement: SACS is on the minus strand). VCF-style (leftmost placement, unchanged base first): chr13-23341405-GA-G. GRCh37 (hg19) VCF-style: chr13-23915544-GA-G.
Other names: c.2029del, p.Ser677fs (NM_001278055.2); short protein forms S677fs, S824fs.
Identifiers: ClinVar variation 3029680 (VCV003029680.2), dbSNP rs2542312909, ClinGen allele CA2740097641.
Genomic context (GRCh38, chr13:23,341,405, plus strand): 5'-ACAATGTCTGCTAAAAATTCTGGAAGCTGTGCTTCAGATTCATCGTCTAAAATGACTAAC[GA>G]TGGAATCCTGAGTCTAATGAGTTCCACACATGTCTGACCTTCCTCTAGTATAGTTCTGGG-3'

ClinVar aggregate classification (germline): Likely pathogenic (0 of 4 stars; one submission).

Conditions:
SACS-related disorder. Also called: SACS-related condition.

Submission:

PreventionGenetics, part of Exact Sciences
Classification: Likely pathogenic for SACS-related condition. Last evaluated: 2024-01-19. Review status: no assertion criteria provided. Collection method: clinical testing. Allele origin: germline.
Comment: The SACS c.2470delT variant is predicted to result in a frameshift and premature protein termination (p.Ser824Argfs*2). To our knowledge, this variant has not been reported in the literature or in a large population database, indicating this variant is rare. Frameshift variants in SACS are expected to be pathogenic. This variant is interpreted as likely pathogenic.